The following is an entry in ClinVar:

NM_001171155.2(PET100):c.3G>C (p.Met1Ile)

Genes: STXBP2 (syntaxin binding protein 2; plus strand), PET100 (PET100 cytochrome c oxidase chaperone; plus strand). Cytogenetic location: 19p13.2.
Variant type: single nucleotide variant.
Coding change: c.3G>C on transcript NM_001171155.2 (MANE Select); coding-DNA position 3, G replaced by C.
Protein change: p.Met1Ile; changes the start codon (methionine 1).
Molecular consequence: missense variant, initiator codon variant. On other transcripts: non-coding transcript variant (1).
Genome position (GRCh38, 1-based): chr19:7,629,836, G>C. VCF-style: chr19-7629836-G-C. GRCh37 (hg19) VCF-style: chr19-7694722-G-C.
Other names: short protein forms M1I.
Identifiers: ClinVar variation 125441 (VCV000125441.11), dbSNP rs587777839, ClinGen allele CA150832.
Genomic context (GRCh38, chr19:7,629,836, plus strand): 5'-TGTCTTGCTGGAGGGTCGGCTTTGGGCGGAACTGGCTTTGTTGACCGGGAGAAACGAGAT[G>C]GGGGTGAAGCTGGAGATATTTCGGGTCAGTGGACACAGGAGTGGGTTGGGAGGCTGGGCA-3'
Protein context (NP_001164626.1, residues 1-11): [Met1Ile]GVKLEIFRMI

ClinVar aggregate classification (germline): Pathogenic. Review status: criteria provided, multiple submitters, no conflicts (2 of 4 stars). 6 submissions from 6 submitters: Pathogenic (4). 2 of the submissions do not count toward it. Last evaluated 2026-01-28.

Conditions:
Mitochondrial complex IV deficiency, nuclear type 12. Also called: Mitochondrial complex 4 deficiency, nuclear type 12. Identifiers: MedGen C5436695, MONDO:0033646, OMIM 619055.
PET100-related disorder. Also called: PET100-related condition.
Mitochondrial complex IV deficiency, nuclear type 1 (MC4DN1). Also called: COX DEFICIENCY; Mitochondrial complex IV deficiency; Complex 4 mitochondrial respiratory chain deficiency; Deficiency of mitochondrial respiratory chain complex4; Complex IV deficiency. Identifiers: MedGen C5435656, MONDO:0700250, OMIM 220110. Disease mechanism: loss of function.

Allele frequency attached by ClinVar (database versions not stated): gnomAD exomes 0.00001 and 0.00002; TOPMed 0.00001.

Submissions (6):

Labcorp Genetics (formerly Invitae), Labcorp
Classification: Pathogenic. Last evaluated: 2026-01-28. Review status: criteria provided, single submitter. Criteria: Invitae Variant Classification Sherloc (09022015). Collection method: clinical testing. Allele origin: germline.
Comment: This sequence change affects the initiator codon of the PET100 mRNA. This change may impact translation initiation or efficiency. The next in-frame methionine is located at codon 10. This variant is present in population databases (no rsID available, gnomAD 0.004%). Disruption of the initiator codon has been observed in individuals with PET100-related conditions (PMID: 24462369, 32313153). It is commonly reported in individuals of Lebanese ancestry (PMID: 24462369, 31406627). ClinVar contains an entry for this variant (Variation ID: 125441). Algorithms developed to predict the effect of variants on gene product structure and function are not available or were not evaluated for this variant. Experimental studies have shown that disruption of the initiator codon affects PET100 function (PMID: 24462369). For these reasons, this variant has been classified as Pathogenic.

Fulgent Genetics
Classification: Pathogenic for Mitochondrial complex IV deficiency, nuclear type 12. Last evaluated: 2022-05-26. Review status: criteria provided, single submitter. Criteria: ACMG Guidelines, 2015. Collection method: clinical testing. Allele origin: unknown.

GeneDx
Classification: Pathogenic. Last evaluated: 2020-11-03. Review status: criteria provided, single submitter. Criteria: GeneDx Variant Classification Process June 2021. Collection method: clinical testing. Allele origin: germline. Affected: yes.
Comment: Founder variant in Lebanese individuals with Leigh syndrome (Lim et al., 2014); Published functional studies demonstrated the protein did not assemble into the typical complex and was not imported into the mitochondria (Lim et al., 2014); This variant alters the initiator Methionine codon, and the resultant protein would be described as p.Met1? using a question mark to signify that it is not known if the loss of Met1 means that all protein translation is completely prevented or if an abnormal protein is produced using an alternate Met; Not observed at a significant frequency in large population cohorts (Lek et al., 2016); This variant is associated with the following publications: (PMID: 26506407, 24462369, 31406627, 32313153)

Kids Research, The Children's Hospital at Westmead
Classification: Pathogenic for Mitochondrial complex IV deficiency, nuclear type 1. Review status: criteria provided, single submitter. Criteria: ACMG Guidelines, 2015. Collection method: research. Allele origin: inherited. Inheritance: Autosomal recessive inheritance. Affected: yes.

PreventionGenetics, part of Exact Sciences
Classification: Pathogenic for PET100-related condition. Last evaluated: 2024-03-07. Review status: no assertion criteria provided. Collection method: clinical testing. Allele origin: germline. Not counted in ClinVar's aggregate classification.
Comment: The PET100 c.3G>C variant is predicted to disrupt the translation initiation site (Start Loss). This variant was reported as a Lebanese founder variant in individuals with Leigh syndrome (see, for example, Lim et al. 2014. PubMed ID: 24462369; Riley et al. 2020. PubMed ID: 32313153). This variant is reported in 0.0040% of alleles in individuals of Latino descent in gnomAD. Taken together, we classify this variant as pathogenic.

OMIM
Classification: Pathogenic for MITOCHONDRIAL COMPLEX IV DEFICIENCY, NUCLEAR TYPE 12. Last evaluated: 2014-02-06. Review status: no assertion criteria provided. Collection method: literature only. Allele origin: germline. Not counted in ClinVar's aggregate classification.

Literature cited by the submitters: PubMed 24462369 (cited by Labcorp Genetics (formerly Invitae), Labcorp and OMIM); PubMed 32313153 (cited by Labcorp Genetics (formerly Invitae), Labcorp and Kids Research, The Children's Hospital at Westmead); PubMed 31406627 (cited by Labcorp Genetics (formerly Invitae), Labcorp).